The following is an entry in ClinVar:

NM_006231.4(POLE):c.6149T>C (p.Phe2050Ser)

Gene: POLE (DNA polymerase epsilon, catalytic subunit; minus strand). Cytogenetic location: 12q24.33.
Variant type: single nucleotide variant.
Coding change: c.6149T>C on transcript NM_006231.4 (MANE Select); coding-DNA position 6149, T replaced by C.
Protein change: p.Phe2050Ser; replaces phenylalanine 2050 with serine.
Molecular consequence: missense variant.
Genome position (GRCh38, 1-based): chr12:132,632,496, A>G on the plus strand (T>C on the coding strand, the complement: POLE is on the minus strand). VCF-style: chr12-132632496-A-G. GRCh37 (hg19) VCF-style: chr12-133209082-A-G.
Other names: short protein forms F2050S.
Identifiers: ClinVar variation 3422108 (VCV003422108.1).

ClinVar aggregate classification (germline): Uncertain significance (1 of 4 stars; one submission).

Conditions:
Hereditary cancer-predisposing syndrome. Also called: Neoplastic Syndromes, Hereditary; Tumor predisposition; Hereditary Cancer Syndrome; Hereditary neoplastic syndrome. Identifiers: Orphanet 140162, MedGen C0027672, MeSH D009386, MONDO:0015356.

gnomAD v4.1: 2 of 1,613,892 alleles (0.00012%); highest among the groups gnomAD compares: African/African-American, 0.0013%; no homozygotes.

Submission:

Ambry Genetics
Classification: Uncertain significance for Hereditary cancer-predisposing syndrome. Last evaluated: 2024-07-05. Review status: criteria provided, single submitter. Criteria: Ambry Variant Classification Scheme 2023. Collection method: clinical testing. Allele origin: germline.
Comment: The p.F2050S variant (also known as c.6149T>C), located in coding exon 45 of the POLE gene, results from a T to C substitution at nucleotide position 6149. The phenylalanine at codon 2050 is replaced by serine, an amino acid with highly dissimilar properties. This amino acid position is conserved. In addition, this alteration is predicted to be deleterious by in silico analysis. Based on the available evidence, the clinical significance of this variant remains unclear.